The following is an entry in ClinVar:

ClinVar aggregate classification (germline): Benign. Review status: criteria provided, multiple submitters, no conflicts (2 of 4 stars). 6 submissions from 6 submitters: Benign (6). Last evaluated 2025-11-19.

Conditions:
Autosomal dominant nonsyndromic hearing loss 15 (DFNA15). Also called: Autosomal dominant nonsyndromic hearing loss 52; DEAFNESS, AUTOSOMAL DOMINANT 52. Identifiers: Orphanet 90635, MedGen C1865366, MONDO:0011226, OMIM 602459.

Allele frequency attached by ClinVar (database versions not stated): gnomAD exomes 0.00123; ExAC 0.00141; gnomAD 0.00473 and 0.00511; TOPMed 0.00478; ESP Exome Variant Server 0.00515; 1000 Genomes Project 0.00579; 1000 Genomes Project 30x 0.00609.
gnomAD v4.1: 1,398 of 1,614,210 alleles (0.087%); highest among the groups gnomAD compares: African/African-American, 1.7%; 12 homozygotes.

Submissions (6):

Labcorp Genetics (formerly Invitae), Labcorp
Classification: Benign. Last evaluated: 2025-11-19. Review status: criteria provided, single submitter. Criteria: Invitae Variant Classification Sherloc (09022015). Collection method: clinical testing. Allele origin: germline.

Blueprint Genetics
Classification: Benign. Last evaluated: 2024-10-03. Review status: criteria provided, single submitter. Criteria: ACMG Guidelines, 2015. Collection method: clinical testing. Allele origin: germline.

GeneDx
Classification: Benign. Last evaluated: 2020-05-15. Review status: criteria provided, single submitter. Criteria: GeneDx Variant Classification Process June 2021. Collection method: clinical testing. Allele origin: germline. Affected: yes.

Athena Diagnostics
Classification: Benign. Last evaluated: 2019-03-21. Review status: criteria provided, single submitter. Criteria: Athena Diagnostics Criteria. Collection method: clinical testing. Allele origin: germline.

Illumina Laboratory Services, Illumina
Classification: Benign for Autosomal dominant nonsyndromic hearing loss 15. Last evaluated: 2018-01-13. Review status: criteria provided, single submitter. Criteria: ICSL Variant Classification Criteria 13 December 2019. Collection method: clinical testing. Allele origin: germline.
Comment: This variant was observed in the ICSL laboratory as part of a predisposition screen in an ostensibly healthy population. It had not been previously curated by ICSL or reported in the Human Gene Mutation Database (HGMD: prior to June 1st, 2018), and was therefore a candidate for classification through an automated scoring system. Utilizing variant allele frequency, disease prevalence and penetrance estimates, and inheritance mode, an automated score was calculated to assess if this variant is too frequent to cause the disease. Based on the score and internal cut-off values, a variant classified as benign is not then subjected to further curation. The score for this variant resulted in a classification of benign for this disease.

Laboratory for Molecular Medicine, Mass General Brigham Personalized Medicine
Classification: Benign. Last evaluated: 2012-05-07. Review status: criteria provided, single submitter. Criteria: LMM Criteria. Collection method: clinical testing. Allele origin: germline. Observed: 3 variant alleles.
Comment: "Gly221Gly in Exon 02 of POU4F3: This variant is not expected to have clinical s ignificance because it does not alter an amino acid residue, is not located with in the splice consensus sequence, and has been identified in 1.5% (55/3738) of A frican American chromosomes from a broad population by the NHLBI Exome Sequencin g Project (dbSNP rs61737151)."

NM_002700.3(POU4F3):c.663C>A (p.Gly221=)

Genes: POU4F3 (POU class 4 homeobox 3; plus strand), RBM27-POU4F3 (RBM27-POU4F3 readthrough; plus strand). Cytogenetic location: 5q32.
Variant type: single nucleotide variant.
Coding change: c.663C>A on transcript NM_002700.3 (MANE Select); coding-DNA position 663, C replaced by A.
Protein change: p.Gly221=; no amino-acid change (glycine 221 retained).
Molecular consequence: synonymous variant.
Genome position (GRCh38, 1-based): chr5:146,340,090, C>A. VCF-style: chr5-146340090-C-A. GRCh37 (hg19) VCF-style: chr5-145719653-C-A.
Identifiers: ClinVar variation 164983 (VCV000164983.21), dbSNP rs61737151, ClinGen allele CA177659.